The following is an entry in ClinVar:

NM_000018.4(ACADVL):c.809del (p.Pro270fs)

Gene: ACADVL (acyl-CoA dehydrogenase very long chain; plus strand). Cytogenetic location: 17p13.1.
Variant type: Deletion.
Coding change: c.809del on transcript NM_000018.4 (MANE Select); coding-DNA position 809, one base deleted (C; older notation c.809delC).
Protein change: p.Pro270fs; shifts the reading frame from proline 270.
Molecular consequence: frameshift variant.
Genome position (GRCh38, 1-based): chr17:7,222,233, C deleted; the last of 2 consecutive C bases (chr17:7,222,232-7,222,233); deleting either gives the same sequence. VCF-style (leftmost placement, unchanged base first): chr17-7222231-TC-T. GRCh37 (hg19) VCF-style: chr17-7125550-TC-T.
Other names: NM_000018.4(ACADVL):c.809del; p.Pro270fs; c.743del, p.Pro248fs (NM_001033859.3); c.878del, p.Pro293fs (NM_001270447.2); c.581del, p.Pro194fs (NM_001270448.2); short protein forms P248fs, P194fs, P270fs, P293fs.
Identifiers: ClinVar variation 572229 (VCV000572229.10), dbSNP rs1567564499, ClinGen allele CA891844264.

ClinVar aggregate classification (germline): Likely pathogenic. Review status: reviewed by expert panel (3 of 4 stars). 4 submissions from 4 submitters: Likely pathogenic (1). 3 of the submissions do not count toward it. Last evaluated 2023-09-26.

Conditions:
ACADVL-related disorder. Also called: ACADVL-related condition.
Very long chain acyl-CoA dehydrogenase deficiency (ACADVLD). Also called: Very Long-Chain Acyl-Coenzyme A Dehydrogenase Deficiency; VLCAD Deficiency. Identifiers: Orphanet 26793, MedGen C3887523, MONDO:0008723, OMIM 201475.

Submissions (4):

ClinGen ACADVL Variant Curation Expert Panel, ClinGen
Classification: Likely pathogenic for Very long chain acyl-CoA dehydrogenase deficiency. Last evaluated: 2023-09-26. Review status: reviewed by expert panel. Criteria: clingen acadvl acmg specifications v1. Collection method: curation. Allele origin: germline. Inheritance: Autosomal recessive inheritance.
Comment: The NM_000018.4(ACADVL):c.809del (p.Pro270GlnfsTer6) variant in ACADVL is a frameshift variant predicted cause a premature stop codon in biologically-relevant-exon 9/20 leading to nonsense mediated decay in a gene in which loss-of-function is an established disease mechanism (PVS1; PMIDs 9973285, 11590124). This variant is absent from gnomAD v2.1.1 (PM2_Supporting). In summary, this variant meets the criteria to be classified as likely pathogenic for autosomal recessive very long chain acyl-CoA dehydrogenase (VLCAD) deficiency based on the ACMG/AMP criteria applied, as specified by the ClinGen ACADVL Variant Curation Expert Panel: PVS1, PM2_Suporting (ACADVL VCEP specifications version 1; approved November 9, 2021).

PreventionGenetics, part of Exact Sciences
Classification: Likely pathogenic for ACADVL-related condition. Last evaluated: 2025-09-02. Review status: criteria provided, single submitter. Criteria: ACMG Guidelines, 2015. Collection method: clinical testing. Allele origin: germline. Not counted in ClinVar's aggregate classification.
Comment: The ACADVL c.809delC variant is predicted to result in a frameshift and premature protein termination (p.Pro270Glnfs*6). To our knowledge, this variant has not been reported in the literature or in a large population database (gnomAD), indicating it is rare. However, this variant is classified as likely pathogenic by an expert panel in ClinVar. Frameshift variants in ACADVL are expected to be pathogenic. This variant is interpreted as likely pathogenic.

Labcorp Genetics (formerly Invitae), Labcorp
Classification: Pathogenic for Very long chain acyl-CoA dehydrogenase deficiency. Last evaluated: 2025-05-06. Review status: criteria provided, single submitter. Criteria: Invitae Variant Classification Sherloc (09022015). Collection method: clinical testing. Allele origin: germline. Not counted in ClinVar's aggregate classification.
Comment: This sequence change creates a premature translational stop signal (p.Pro270Glnfs*6) in the ACADVL gene. It is expected to result in an absent or disrupted protein product. Loss-of-function variants in ACADVL are known to be pathogenic (PMID: 9973285, 11590124). This variant is not present in population databases (gnomAD no frequency). This variant has not been reported in the literature in individuals affected with ACADVL-related conditions. ClinVar contains an entry for this variant (Variation ID: 572229). Algorithms developed to predict the effect of sequence changes on RNA splicing suggest that this variant may disrupt the consensus splice site. For these reasons, this variant has been classified as Pathogenic.

Myriad Genetics, Inc.
Classification: Pathogenic for Very long chain acyl-CoA dehydrogenase deficiency. Last evaluated: 2024-05-08. Review status: criteria provided, single submitter. Criteria: Myriad Autosomal Dominant, Autosomal Recessive and X-Linked Classification Criteria (2023). Collection method: clinical testing. Allele origin: unknown. Not counted in ClinVar's aggregate classification.
Comment: NM_000018.3(ACADVL):c.809delC(P270Qfs*6) is expected to be pathogenic in the context of very-long-chain acyl-CoA dehydrogenase deficiency. This variant is predicted to lead to an abnormal or absent protein product due to the creation of a premature termination codon in ACADVL, a gene where loss-of-function variants are known to be pathogenic. Please note: this variant was assessed in the context of healthy population screening.

Literature cited by the submitters: PubMed 9973285 (cited by Labcorp Genetics (formerly Invitae), Labcorp); PubMed 11590124 (cited by Labcorp Genetics (formerly Invitae), Labcorp).